The following is an entry in ClinVar:

NM_030632.3(ASXL3):c.6608G>T (p.Ser2203Ile)

Gene: ASXL3 (ASXL transcriptional regulator 3; plus strand). Cytogenetic location: 18q12.1.
Variant type: single nucleotide variant.
Coding change: c.6608G>T on transcript NM_030632.3 (MANE Select); coding-DNA position 6608, G replaced by T.
Protein change: p.Ser2203Ile; replaces serine 2203 with isoleucine.
Molecular consequence: missense variant.
Genome position (GRCh38, 1-based): chr18:33,746,456, G>T. VCF-style: chr18-33746456-G-T. GRCh37 (hg19) VCF-style: chr18-31326420-G-T.
Other names: short protein forms S2203I.
Identifiers: ClinVar variation 3573653 (VCV003573653.1).
Genomic context (GRCh38, chr18:33,746,456, plus strand): 5'-ATCCTGCCACAGGCTTGTCTGGTCAGAACGCTCAGATGCCCGTTCAGAACTTTGCCGACA[G>T]CAGCAATGCAGATGAATTGGAACTGAAATGCTCTTGCCGGCTGAAAGCCATGATTGTGTG-3'
Protein context (NP_085135.1, residues 2193-2213): AQMPVQNFAD[Ser2203Ile]SNADELELKC

ClinVar aggregate classification (germline): Uncertain significance (1 of 4 stars; one submission).

Submission:

GeneDx
Classification: Uncertain significance. Last evaluated: 2024-07-12. Review status: criteria provided, single submitter. Criteria: GeneDx Variant Classification Process June 2021. Collection method: clinical testing. Allele origin: germline. Affected: yes.
Comment: Not observed at significant frequency in large population cohorts (gnomAD); In silico analysis supports that this missense variant has a deleterious effect on protein structure/function; Has not been previously published as pathogenic or benign to our knowledge